The following is an entry in ClinVar:

NM_000188.3(HK1):c.442_473dup (p.Gln159fs)

Gene: HK1 (hexokinase 1; plus strand). Cytogenetic location: 10q22.1.
Variant type: Duplication.
Coding change: c.442_473dup on transcript NM_000188.3 (MANE Select); coding-DNA positions 442 to 473, 32 bases duplicated.
Protein change: p.Gln159fs; shifts the reading frame from glutamine 159.
Molecular consequence: frameshift variant.
Genome position (GRCh38, 1-based): chr10:69,364,849-69,364,880, 32 bases duplicated; duplicating any 32 consecutive bases within chr10:69,364,848-69,364,880 gives the same sequence; the c. name uses the placement nearest the transcript's 3' end. GRCh37 (hg19): chr10:71,124,605-71,124,636.
Other names: c.454_485dup, p.Gln163fs (NM_001322364.2, NM_001358263.1, NM_033497.3 and 1 more transcripts); c.547_578dup, p.Gln194fs (NM_001322365.2); c.358_389dup, p.Gln131fs (NM_001322366.1); c.442_473dup, p.Gln159fs (NM_001322367.1); c.439_470dup, p.Gln158fs (NM_033496.3); c.406_437dup, p.Gln147fs (NM_033500.2); short protein forms Q194fs, Q147fs, Q163fs, Q131fs, Q158fs, Q159fs.
Identifiers: ClinVar variation 2115913 (VCV002115913.4), dbSNP rs2540349993, ClinGen allele CA2580081759.

ClinVar aggregate classification (germline): Pathogenic (1 of 4 stars; one submission).

Submission:

Labcorp Genetics (formerly Invitae), Labcorp
Classification: Pathogenic. Last evaluated: 2022-03-23. Review status: criteria provided, single submitter. Criteria: Invitae Variant Classification Sherloc (09022015). Collection method: clinical testing. Allele origin: germline.
Comment: For these reasons, this variant has been classified as Pathogenic. This variant has not been reported in the literature in individuals affected with HK1-related conditions. This variant is not present in population databases (gnomAD no frequency). This sequence change creates a premature translational stop signal (p.Gln159Tyrfs*16) in the HK1 gene. It is expected to result in an absent or disrupted protein product. Loss-of-function variants in HK1 are known to be pathogenic (PMID: 11783948, 12211198, 31119733).

Literature cited by the submitters: PubMed 11783948; PubMed 12211198; PubMed 31119733.